The following is an entry in ClinVar:

ClinVar aggregate classification (germline): Uncertain significance (1 of 4 stars; one submission).

Conditions:
PIEZO1-related disorder. Also called: PIEZO1-Related Disorders; PIEZO1-related condition.

gnomAD v4.1: 13 of 1,543,626 alleles (0.00084%); highest among the groups gnomAD compares: South Asian, 0.0024%; no homozygotes.

Submission:

PreventionGenetics, part of Exact Sciences
Classification: Uncertain significance for PIEZO1-related condition. Last evaluated: 2026-06-25. Review status: criteria provided, single submitter. Criteria: ACMG Guidelines, 2015. Collection method: clinical testing. Allele origin: germline.
Comment: The PIEZO1 c.2647T>A variant is predicted to result in the amino acid substitution p.Ser883Thr. To our knowledge, this variant has not been reported in the literature. This variant is reported in 0.0044% of alleles in individuals of South Asian descent in gnomAD. At this time, the clinical significance of this variant is uncertain due to the absence of conclusive functional and genetic evidence.

NM_001142864.4(PIEZO1):c.2647T>A (p.Ser883Thr)

Genes: HSALR1 (HSP90AB1 associated lncRNA 1; plus strand), PIEZO1 (piezo type mechanosensitive ion channel component 1 (Er blood group); minus strand). Cytogenetic location: 16q24.3.
Variant type: single nucleotide variant.
Coding change: c.2647T>A on transcript NM_001142864.4 (MANE Select); coding-DNA position 2647, T replaced by A.
Protein change: p.Ser883Thr; replaces serine 883 with threonine.
Molecular consequence: missense variant.
Genome position (GRCh38, 1-based): chr16:88,733,295, A>T on the plus strand (T>A on the coding strand, the complement: PIEZO1 is on the minus strand). VCF-style: chr16-88733295-A-T. GRCh37 (hg19) VCF-style: chr16-88799703-A-T.
Other names: short protein forms S883T.
Identifiers: ClinVar variation 4995710 (VCV004995710.1).
Genomic context (GRCh38, chr16:88,733,295, plus strand): 5'-TTGCCTGGAGCTTCCTCCCGTCCCAGCCCTCGGGGGCCGGTACCTCGGTGCAGTTGCTGG[A>T]ATACTCCTGGGGGTTGACAACCTTGAGCTGGTACAGCATCTTACACACGATGATGACGCA-3'
Protein context (NP_001136336.2, residues 873-893): QLKVVNPQEY[Ser883Thr]SNCTEPFPNS